The following is an entry in ClinVar:

NM_004744.5(LRAT):c.519G>T (p.Pro173=)

Gene: LRAT (lecithin retinol acyltransferase; plus strand). Cytogenetic location: 4q32.1.
Variant type: single nucleotide variant.
Coding change: c.519G>T on transcript NM_004744.5 (MANE Select); coding-DNA position 519, G replaced by T.
Protein change: p.Pro173=; no amino-acid change (proline 173 retained).
Molecular consequence: synonymous variant.
Genome position (GRCh38, 1-based): chr4:154,744,845, G>T. VCF-style: chr4-154744845-G-T. GRCh37 (hg19) VCF-style: chr4-155665997-G-T.
Other names: c.519G>T, p.Pro173= (NM_001301645.2); c.519G>T (NM_004744.4).
Identifiers: ClinVar variation 902419 (VCV000902419.14), dbSNP rs375365480, ClinGen allele CA3115885.
Genomic context (GRCh38, chr4:154,744,845, plus strand): 5'-CTACAGCCTGCTGTGGAACAACTGCGAGCACTTCGTGACCTACTGCAGATATGGCACCCC[G>T]ATCAGTCCCCAGTCCGACAAGGTATGATGTGTGACTCCCAGGGGAAGTGGGCTCCGCGGA-3'
Protein context (NP_004735.2, residues 163-183): HFVTYCRYGT[Pro173=]ISPQSDKFCE

ClinVar aggregate classification (germline): Conflicting classifications of pathogenicity. Review status: criteria provided, conflicting classifications (1 of 4 stars). 5 submissions from 4 submitters: Uncertain significance (2); Likely benign (2). 1 of the submissions does not count toward it. Last evaluated 2025-04-21.

Conditions:
LRAT-related disorder. Also called: LRAT-related condition.
Leber congenital amaurosis 14 (LCA14). Identifiers: MedGen C2750063, MONDO:0013231, OMIM 613341.
Retinitis pigmentosa (RP). Identifiers: Orphanet 791, MedGen C0035334, MeSH D012174, MONDO:0019200, OMIM 268000. Inheritance: Autosomal dominant, autosomal recessive and X linked inheritance.

Allele frequency attached by ClinVar (database versions not stated): gnomAD 0.00001; gnomAD exomes 0.00001; ExAC 0.00002; TOPMed 0.00004; 1000 Genomes Project 30x 0.00016; 1000 Genomes Project 0.00020.
gnomAD v4.1: 18 of 1,613,412 alleles (0.0011%); highest among the groups gnomAD compares: African/African-American, 0.017%; no homozygotes.

Submissions (5):

Labcorp Genetics (formerly Invitae), Labcorp
Classification: Likely benign. Last evaluated: 2025-04-21. Review status: criteria provided, single submitter. Criteria: Invitae Variant Classification Sherloc (09022015). Collection method: clinical testing. Allele origin: germline.

Blueprint Genetics
Classification: Likely benign. Last evaluated: 2023-07-26. Review status: criteria provided, single submitter. Criteria: ACMG Guidelines, 2015. Collection method: clinical testing. Allele origin: germline.

Illumina Laboratory Services, Illumina
Classification: Uncertain significance for Leber congenital amaurosis 14. Last evaluated: 2018-01-12. Review status: criteria provided, single submitter. Criteria: ICSL Variant Classification Criteria 13 December 2019. Collection method: clinical testing. Allele origin: germline.

Illumina Laboratory Services, Illumina
Classification: Uncertain significance for Retinitis pigmentosa. Last evaluated: 2018-01-12. Review status: criteria provided, single submitter. Criteria: ICSL Variant Classification Criteria 13 December 2019. Collection method: clinical testing. Allele origin: germline.

PreventionGenetics, part of Exact Sciences
Classification: Likely benign for LRAT-related condition. Last evaluated: 2019-02-21. Review status: no assertion criteria provided. Collection method: clinical testing. Allele origin: germline. Not counted in ClinVar's aggregate classification.
Comment: This variant is classified as likely benign based on ACMG/AMP sequence variant interpretation guidelines (Richards et al. 2015 PMID: 25741868, with internal and published modifications).